The following is an entry in ClinVar:

ClinVar aggregate classification (germline): Pathogenic. Review status: criteria provided, multiple submitters, no conflicts (2 of 4 stars). 2 submissions from 2 submitters: Pathogenic (2). Last evaluated 2025-12-26.

Conditions:
Interstitial lung disease due to ABCA3 deficiency. Also called: PULMONARY ALVEOLAR PROTEINOSIS, CONGENITAL, 3. Identifiers: Orphanet 440402, MedGen C1970456, MONDO:0012582, OMIM 610921.

gnomAD v4.1: 1 of 1,604,232 alleles (0.000062%); highest among the groups gnomAD compares: Non-Finnish European, 0.000085%; no homozygotes.

Submissions (2):

Labcorp Genetics (formerly Invitae), Labcorp
Classification: Pathogenic. Last evaluated: 2025-12-26. Review status: criteria provided, single submitter. Criteria: Invitae Variant Classification Sherloc (09022015). Collection method: clinical testing. Allele origin: germline.
Comment: This sequence change creates a premature translational stop signal (p.Tyr946*) in the ABCA3 gene. It is expected to result in an absent or disrupted protein product. Loss-of-function variants in ABCA3 are known to be pathogenic (PMID: 27516224). This variant is not present in population databases (gnomAD no frequency). This variant has not been reported in the literature in individuals affected with ABCA3-related conditions. For these reasons, this variant has been classified as Pathogenic.

Myriad Genetics, Inc.
Classification: Pathogenic for Interstitial lung disease due to ABCA3 deficiency. Last evaluated: 2025-05-27. Review status: criteria provided, single submitter. Criteria: Myriad Autosomal Dominant, Autosomal Recessive and X-Linked Classification Criteria (2023). Collection method: clinical testing. Allele origin: unknown.
Comment: NM_001089.2(ABCA3):c.2838C>G(Y946*) is expected to be pathogenic in the context of surfactant deficiency, ABCA3-related. This variant is predicted to lead to an abnormal or absent protein product due to the creation of a premature termination codon in ABCA3, a gene where loss-of-function variants are known to be pathogenic. Please note: this variant was assessed in the context of healthy population screening.

Literature cited by the submitters: PubMed 27516224 (cited by Labcorp Genetics (formerly Invitae), Labcorp).

NM_001089.3(ABCA3):c.2838C>G (p.Tyr946Ter)

Gene: ABCA3 (ATP binding cassette subfamily A member 3; minus strand). Cytogenetic location: 16p13.3.
Variant type: single nucleotide variant.
Coding change: c.2838C>G on transcript NM_001089.3 (MANE Select); coding-DNA position 2838, C replaced by G.
Protein change: p.Tyr946Ter; replaces tyrosine 946 with a stop codon.
Molecular consequence: nonsense.
Genome position (GRCh38, 1-based): chr16:2,288,192, G>C on the plus strand (C>G on the coding strand, the complement: ABCA3 is on the minus strand). VCF-style: chr16-2288192-G-C. GRCh37 (hg19) VCF-style: chr16-2338193-G-C.
Other names: short protein forms Y946*.
Identifiers: ClinVar variation 4734181 (VCV004734181.2).
Genomic context (GRCh38, chr16:2,288,192, plus strand): 5'-GGTTCTGCCGTACTCGCCCAAGGTCAGCCTCAGCATGGGGTCGTCGAAGAGCTCCGAGGA[G>C]TAGTTGATGGCCAGGAGGGCCAGGGTGACGCAGGTCAGAGGCACCAGGACCTGTGCCGCC-3'